The following is an entry in ClinVar:

ClinVar aggregate classification (germline): Uncertain significance (1 of 4 stars; one submission).

Conditions:
Inborn genetic diseases. Identifiers: MedGen C0950123, MeSH D030342.

Submission:

Ambry Genetics
Classification: Uncertain significance for Inborn genetic diseases. Last evaluated: 2025-01-10. Review status: criteria provided, single submitter. Criteria: Ambry Variant Classification Scheme 2023. Collection method: clinical testing. Allele origin: germline.
Comment: The p.S1262G variant (also known as c.3784A>G), located in coding exon 13 of the ASXL1 gene, results from an A to G substitution at nucleotide position 3784. The serine at codon 1262 is replaced by glycine, an amino acid with similar properties. This amino acid position is conserved. In addition, this alteration is predicted to be tolerated by in silico analysis. Based on the available evidence, the clinical significance of this variant remains unclear.

NM_015338.6(ASXL1):c.3784A>G (p.Ser1262Gly)

Gene: ASXL1 (ASXL transcriptional regulator 1; plus strand). Cytogenetic location: 20q11.21.
Variant type: single nucleotide variant.
Coding change: c.3784A>G on transcript NM_015338.6 (MANE Select); coding-DNA position 3784, A replaced by G.
Protein change: p.Ser1262Gly; replaces serine 1262 with glycine.
Molecular consequence: missense variant.
Genome position (GRCh38, 1-based): chr20:32,436,496, A>G. VCF-style: chr20-32436496-A-G. GRCh37 (hg19) VCF-style: chr20-31024299-A-G.
Other names: c.3601A>G, p.Ser1201Gly (NM_001363734.1); short protein forms S1262G, S1201G.
Identifiers: ClinVar variation 3792180 (VCV003792180.1).